The following is an entry in ClinVar:

NM_000368.5(TSC1):c.991A>G (p.Ser331Gly)

Gene: TSC1 (TSC complex subunit 1; minus strand). Cytogenetic location: 9q34.13.
Variant type: single nucleotide variant.
Coding change: c.991A>G on transcript NM_000368.5 (MANE Select); coding-DNA position 991, A replaced by G.
Protein change: p.Ser331Gly; replaces serine 331 with glycine.
Molecular consequence: missense variant. On other transcripts: 5 prime UTR variant (2), non-coding transcript variant (5).
Genome position (GRCh38, 1-based): chr9:132,911,491, T>C on the plus strand (A>G on the coding strand, the complement: TSC1 is on the minus strand). VCF-style: chr9-132911491-T-C. GRCh37 (hg19) VCF-style: chr9-135786878-T-C.
Other names: c.991A>G, p.Ser331Gly (NM_001406598.1, NM_001406599.1, NM_001406600.1 and 16 more transcripts); c.628A>G, p.Ser210Gly (NM_001406617.1, NM_001406618.1, NM_001406619.1 and 10 more transcripts); c.40A>G, p.Ser14Gly (NM_001406626.1, NM_001406627.1, NM_001406628.1); c.838A>G, p.Ser280Gly (NM_001162427.2, NM_001406610.1, NM_001406611.1 and 2 more transcripts); c.-103A>G (NM_001406629.1, NM_001406630.1); short protein forms S210G, S14G, S280G, S331G.
Identifiers: ClinVar variation 5031211 (VCV005031211.1).

ClinVar aggregate classification (germline): Uncertain significance (1 of 4 stars; one submission).

Conditions:
Hereditary cancer-predisposing syndrome. Also called: Neoplastic Syndromes, Hereditary; Tumor predisposition; Hereditary neoplastic syndrome; Hereditary Cancer Syndrome. Identifiers: Orphanet 140162, MedGen C0027672, MeSH D009386, MONDO:0015356.

Submission:

Ambry Genetics
Classification: Uncertain significance for Hereditary cancer-predisposing syndrome. Last evaluated: 2026-07-02. Review status: criteria provided, single submitter. Criteria: Ambry Variant Classification Scheme 2023. Collection method: clinical testing. Allele origin: germline.
Comment: The p.S331G variant (also known as c.991A>G), located in coding exon 8 of the TSC1 gene, results from an A to G substitution at nucleotide position 991. The serine at codon 331 is replaced by glycine, an amino acid with similar properties. This amino acid position is conserved. In addition, the in silico prediction for this alteration is inconclusive. Based on the available evidence, the clinical significance of this variant remains unclear.